The following is an entry in ClinVar:

ClinVar aggregate classification (germline): Benign (1 of 4 stars; one submission).

Submission:

GeneDx
Classification: Benign. Last evaluated: 2012-05-24. Review status: criteria provided, single submitter. Criteria: GeneDx Variant Classification (06012015). Collection method: clinical testing. Allele origin: germline. Affected: yes.
Comment: This variant is considered likely benign or benign based on one or more of the following criteria: it is a conservative change, it occurs at a poorly conserved position in the protein, it is predicted to be benign by multiple in silico algorithms, and/or has population frequency not consistent with disease.

NM_000257.4(MYH7):c.4353+13T>G

Genes: MHRT (myosin heavy chain associated RNA transcript; plus strand), MYH7 (myosin heavy chain 7; minus strand). Cytogenetic location: 14q11.2.
Variant type: single nucleotide variant.
Coding change: c.4353+13T>G on transcript NM_000257.4 (MANE Select); 13 bases into the intron after coding-DNA position 4353, T replaced by G.
Molecular consequence: intron variant.
Genome position (GRCh38, 1-based): chr14:23,417,490, A>C on the plus strand (T>G on the coding strand, the complement: MYH7 is on the minus strand). VCF-style: chr14-23417490-A-C. GRCh37 (hg19) VCF-style: chr14-23886699-A-C.
Other names: c.4353+13T>G (LRG_384t1).
Identifiers: ClinVar variation 138382 (VCV000138382.1), dbSNP rs587781084, ClinGen allele CA014848.